The following is an entry in ClinVar:

ClinVar aggregate classification (germline): Pathogenic. Review status: criteria provided, multiple submitters, no conflicts (2 of 4 stars). 3 submissions from 3 submitters: Pathogenic (3). Last evaluated 2023-09-27.

Conditions:
Nemaline myopathy 2 (NEM2). Also called: Nemaline myopathy 2, autosomal recessive. Identifiers: MedGen C1850569, MONDO:0009725, OMIM 256030.
Arthrogryposis multiplex congenita 6. Identifiers: MedGen C5543431, MONDO:0030281, OMIM 619334.

Allele frequency attached by ClinVar (database versions not stated): TOPMed below 0.00001; gnomAD 0.00001.
gnomAD v4.1: 4 of 1,613,524 alleles (0.00025%); highest among the groups gnomAD compares: Non-Finnish European, 0.00025%; no homozygotes.

Submissions (3):

Labcorp Genetics (formerly Invitae), Labcorp
Classification: Pathogenic for Nemaline myopathy 2. Last evaluated: 2023-09-27. Review status: criteria provided, single submitter. Criteria: Invitae Variant Classification Sherloc (09022015). Collection method: clinical testing. Allele origin: germline.
Comment: This sequence change creates a premature translational stop signal (p.Arg5745*) in the NEB gene. It is expected to result in an absent or disrupted protein product. Loss-of-function variants in NEB are known to be pathogenic (PMID: 25205138). This variant is present in population databases (no rsID available, gnomAD 0.007%). This premature translational stop signal has been observed in individual(s) with congenital myopathy (PMID: 28357410). This variant is also known as c.12130C>T, p.Arg4044*. ClinVar contains an entry for this variant (Variation ID: 1076163). For these reasons, this variant has been classified as Pathogenic.

Revvity Omics, Revvity
Classification: Pathogenic. Last evaluated: 2021-12-08. Review status: criteria provided, single submitter. Criteria: ACMG Guidelines, 2015. Collection method: clinical testing. Allele origin: germline.

Juno Genomics, Hangzhou Juno Genomics, Inc
Classification: Pathogenic for Arthrogryposis multiplex congenita 6; Nemaline myopathy 2. Review status: criteria provided, single submitter. Criteria: ACMG Guidelines, 2015. Collection method: clinical testing. Allele origin: germline.
Comment: Absent from controls (or at extremely low frequency if recessive) in Genome Aggregation Database.;Null variant in a gene where loss of function (LOF) is a known mechanism of disease.;For recessive disorders, detected in trans with a pathogenic variant.

Literature cited by the submitters: PubMed 25205138 (cited by Labcorp Genetics (formerly Invitae), Labcorp); PubMed 28357410 (cited by Labcorp Genetics (formerly Invitae), Labcorp).

NM_001164508.2(NEB):c.17233C>T (p.Arg5745Ter)

Gene: NEB (nebulin; minus strand). Cytogenetic location: 2q23.3.
Variant type: single nucleotide variant.
Coding change: c.17233C>T on transcript NM_001164508.2 (MANE Select); coding-DNA position 17233, C replaced by T.
Protein change: p.Arg5745Ter; replaces arginine 5745 with a stop codon.
Molecular consequence: nonsense.
Genome position (GRCh38, 1-based): chr2:151,570,278, G>A on the plus strand (C>T on the coding strand, the complement: NEB is on the minus strand). VCF-style: chr2-151570278-G-A. GRCh37 (hg19) VCF-style: chr2-152426792-G-A.
Other names: c.17233C>T, p.Arg5745Ter (NM_001164507.2, NM_001271208.2); c.12130C>T, p.Arg4044Ter (NM_004543.5); short protein forms R4044*, R5745*.
Identifiers: ClinVar variation 1076163 (VCV001076163.13), dbSNP rs1427371913, ClinGen allele CA348808132.